The following is an entry in ClinVar:

ClinVar aggregate classification (germline): Likely pathogenic (1 of 4 stars; one submission).

Conditions:
Dilated cardiomyopathy 1G (CMD1G). Identifiers: Orphanet 154, MedGen C1858763, MONDO:0011400, OMIM 604145.
Autosomal recessive limb-girdle muscular dystrophy type 2J (LGMDR10). Also called: Limb-girdle muscular dystrophy, type 2J; MUSCULAR DYSTROPHY, LIMB-GIRDLE, AUTOSOMAL RECESSIVE 10. Identifiers: Orphanet 140922, MedGen C1837342, MONDO:0012127, OMIM 608807.

Submission:

Labcorp Genetics (formerly Invitae), Labcorp
Classification: Likely pathogenic for Dilated cardiomyopathy 1G; Autosomal recessive limb-girdle muscular dystrophy type 2J. Last evaluated: 2024-10-21. Review status: criteria provided, single submitter. Criteria: Invitae Variant Classification Sherloc (09022015). Collection method: clinical testing. Allele origin: germline.
Comment: This sequence change creates a premature translational stop signal (p.Glu16923Asnfs*4) in the TTN gene. While this is not anticipated to result in nonsense mediated decay, it is expected to create a truncated TTN protein. This variant is not present in population databases (gnomAD no frequency). This variant has not been reported in the literature in individuals affected with TTN-related conditions. Algorithms developed to predict the effect of sequence changes on RNA splicing suggest that this variant may disrupt the consensus splice site. This variant is located in the A band of TTN (PMID: 25589632). Truncating variants in this region are significantly overrepresented in patients affected with dilated cardiomyopathy (PMID: 25589632). Truncating variants in this region have also been reported in individuals affected with autosomal recessive centronuclear myopathy (PMID: 23975875). In summary, the currently available evidence indicates that the variant is pathogenic, but additional data are needed to prove that conclusively. Therefore, this variant has been classified as Likely Pathogenic.

Literature cited by the submitters: PubMed 25589632; PubMed 23975875.

NM_001267550.2(TTN):c.50766del (p.Glu16923fs)

Genes: TTN-AS1 (TTN antisense RNA 1; plus strand), TTN (titin; minus strand). Cytogenetic location: 2q31.2.
Variant type: Deletion.
Coding change: c.50766del on transcript NM_001267550.2 (MANE Select); coding-DNA position 50766, one base deleted (A; older notation c.50766delA).
Protein change: p.Glu16923fs; shifts the reading frame from glutamic acid 16923.
Molecular consequence: frameshift variant.
Genome position (GRCh38, 1-based): chr2:178,611,463, T deleted on the plus strand (A on the coding strand, the reverse complement: TTN is on the minus strand); the first of 3 consecutive T bases (chr2:178,611,463-178,611,465); deleting any one gives the same sequence. VCF-style (leftmost placement, unchanged base first): chr2-178611462-CT-C. GRCh37 (hg19) VCF-style: chr2-179476189-CT-C.
Other names: c.45843del, p.Glu15282fs (NM_001256850.1); c.23571del, p.Glu7858fs (NM_003319.4); c.43062del, p.Glu14355fs (NM_133378.4); c.23946del, p.Glu7983fs (NM_133432.3); c.24147del, p.Glu8050fs (NM_133437.4); short protein forms E14355fs, E15282fs, E16923fs, E7858fs, E7983fs, E8050fs.
Identifiers: ClinVar variation 3759533 (VCV003759533.2).